The following is an entry in ClinVar:

NM_003200.5(TCF3):c.1448G>T (p.Ser483Ile)

Gene: TCF3 (transcription factor 3; minus strand). Cytogenetic location: 19p13.3.
Variant type: single nucleotide variant.
Coding change: c.1448G>T on transcript NM_003200.5 (MANE Select); coding-DNA position 1448, G replaced by T.
Protein change: p.Ser483Ile; replaces serine 483 with isoleucine.
Molecular consequence: missense variant.
Genome position (GRCh38, 1-based): chr19:1,619,113, C>A on the plus strand (G>T on the coding strand, the complement: TCF3 is on the minus strand). VCF-style: chr19-1619113-C-A. GRCh37 (hg19) VCF-style: chr19-1619112-C-A.
Other names: c.1448G>T, p.Ser483Ile (NM_001136139.4, NM_001351779.2); c.1445G>T, p.Ser482Ile (NM_001351778.2); short protein forms S482I, S483I.
Identifiers: ClinVar variation 1367222 (VCV001367222.6), dbSNP rs371587171, ClinGen allele CA304101604.

ClinVar aggregate classification (germline): Uncertain significance (1 of 4 stars; one submission).

Allele frequency attached by ClinVar (database versions not stated): TOPMed below 0.00001; gnomAD 0.00001; ESP Exome Variant Server 0.00008.
gnomAD v4.1: 5 of 1,599,304 alleles (0.00031%); highest among the groups gnomAD compares: Non-Finnish European, 0.00042%; no homozygotes.

Submission:

Labcorp Genetics (formerly Invitae), Labcorp
Classification: Uncertain significance. Last evaluated: 2021-01-28. Review status: criteria provided, single submitter. Criteria: Invitae Variant Classification Sherloc (09022015). Collection method: clinical testing. Allele origin: germline.
Comment: In summary, the available evidence is currently insufficient to determine the role of this variant in disease. Therefore, it has been classified as a Variant of Uncertain Significance. Algorithms developed to predict the effect of missense changes on protein structure and function are either unavailable or do not agree on the potential impact of this missense change (SIFT: "Not Available"; PolyPhen-2: "Possibly Damaging"; Align-GVGD: "Not Available"). This variant has not been reported in the literature in individuals with TCF3-related conditions. This variant is not present in population databases (ExAC no frequency). This sequence change replaces serine with isoleucine at codon 483 of the TCF3 protein (p.Ser483Ile). The serine residue is moderately conserved and there is a large physicochemical difference between serine and isoleucine.